The following is an entry in ClinVar:

ClinVar aggregate classification (germline): Uncertain significance (1 of 4 stars; one submission).

Conditions:
Infantile-onset ascending hereditary spastic paralysis (IAHSP). Also called: Autosomal Recessive Juvenile Amyotrophic Lateral Sclerosis; Infantile-Onset Ascending Hereditary Spastic Paralysis (IAHSP). Identifiers: Orphanet 293168, MedGen C2931441, MONDO:0011797, OMIM 607225. Disease mechanism: loss of function.

Submission:

Labcorp Genetics (formerly Invitae), Labcorp
Classification: Uncertain significance for Infantile-onset ascending hereditary spastic paralysis. Last evaluated: 2022-11-01. Review status: criteria provided, single submitter. Criteria: Invitae Variant Classification Sherloc (09022015). Collection method: clinical testing. Allele origin: germline.
Comment: This missense change has been observed in individual(s) with hereditary spastic paraplegia (Invitae). This variant is not present in population databases (gnomAD no frequency). This sequence change replaces arginine, which is basic and polar, with serine, which is neutral and polar, at codon 1132 of the ALS2 protein (p.Arg1132Ser). Advanced modeling of protein sequence and biophysical properties (such as structural, functional, and spatial information, amino acid conservation, physicochemical variation, residue mobility, and thermodynamic stability) performed at Invitae indicates that this missense variant is expected to disrupt ALS2 protein function. In summary, the available evidence is currently insufficient to determine the role of this variant in disease. Therefore, it has been classified as a Variant of Uncertain Significance.

NM_020919.4(ALS2):c.3394C>A (p.Arg1132Ser)

Gene: ALS2 (alsin Rho guanine nucleotide exchange factor ALS2; minus strand). Cytogenetic location: 2q33.1.
Variant type: single nucleotide variant.
Coding change: c.3394C>A on transcript NM_020919.4 (MANE Select); coding-DNA position 3394, C replaced by A.
Protein change: p.Arg1132Ser; replaces arginine 1132 with serine.
Molecular consequence: missense variant.
Genome position (GRCh38, 1-based): chr2:201,724,413, G>T on the plus strand (C>A on the coding strand, the complement: ALS2 is on the minus strand). VCF-style: chr2-201724413-G-T. GRCh37 (hg19) VCF-style: chr2-202589136-G-T.
Other names: c.3394C>A, p.Arg1132Ser (NM_001410975.1); short protein forms R1132S.
Identifiers: ClinVar variation 2192692 (VCV002192692.4), dbSNP rs149670991, ClinGen allele CA350319819.
Genomic context (GRCh38, chr2:201,724,413, plus strand): 5'-TGAACATACTAGGAGAAGAGGACGTCAATTTCCCACTTCGTAGAAGACCATGACCATGAC[G>T]CATATTATCTTGAAAACAGCCCTCAAATACTTCACCAGAAGCATAGCTGTGGTTGGAAAG-3'
Protein context (NP_065970.2, residues 1122-1142): VFEGCFQDNM[Arg1132Ser]HGHGLLRSGK